The following is an entry in ClinVar:

ClinVar aggregate classification (germline): Pathogenic (1 of 4 stars; one submission).

Conditions:
Spastic paraplegia. Identifiers: MedGen C0037772, HP:0001258.

Submission:

Labcorp Genetics (formerly Invitae), Labcorp
Classification: Pathogenic for Spastic paraplegia. Last evaluated: 2025-12-01. Review status: criteria provided, single submitter. Criteria: Invitae Variant Classification Sherloc (09022015). Collection method: clinical testing. Allele origin: germline.
Comment: This sequence change creates a premature translational stop signal (p.Tyr167*) in the KDM5C gene. It is expected to result in an absent or disrupted protein product. Loss-of-function variants in KDM5C are known to be pathogenic (PMID: 15586325, 18697827). This variant is not present in population databases (gnomAD no frequency). This variant has not been reported in the literature in individuals affected with KDM5C-related conditions. For these reasons, this variant has been classified as Pathogenic.

Literature cited by the submitters: PubMed 15586325; PubMed 18697827.

NM_004187.5(KDM5C):c.501C>G (p.Tyr167Ter)

Gene: KDM5C (lysine demethylase 5C; minus strand). Cytogenetic location: Xp11.22.
Variant type: single nucleotide variant.
Coding change: c.501C>G on transcript NM_004187.5 (MANE Select); coding-DNA position 501, C replaced by G.
Protein change: p.Tyr167Ter; replaces tyrosine 167 with a stop codon.
Molecular consequence: nonsense. On other transcripts: non-coding transcript variant (3).
Genome position (GRCh38, 1-based): chrX:53,217,817, G>C on the plus strand (C>G on the coding strand, the complement: KDM5C is on the minus strand). VCF-style: chrX-53217817-G-C. GRCh37 (hg19) VCF-style: chrX-53246999-G-C.
Other names: c.300C>G, p.Tyr100Ter (NM_001146702.2); c.501C>G, p.Tyr167Ter (NM_001282622.3, NM_001353978.3, NM_001353979.2 and 3 more transcripts); short protein forms Y100*, Y167*.
Identifiers: ClinVar variation 4732267 (VCV004732267.1).
Genomic context (GRCh38, chrX:53,217,817, plus strand): 5'-AGGGTAAAGCCGCACCCTGCCCCACTGTGACATCCTTACCACAAGGTTGGCTCCAGACTG[G>C]TACATTTCATAGGGATAAACAATGCGTTCGTAGTGGGAGCGTAGCAAGGAGCCAATATTT-3'